The following is an entry in ClinVar:

ClinVar aggregate classification (germline): Uncertain significance (1 of 4 stars; one submission).

Conditions:
Cardiomyopathy (CMYO). Also called: Cardiomyopathies. Identifiers: Orphanet 167848, MedGen C0878544, MONDO:0004994, HP:0001638. Inheritance: Various modes of inheritance.

Submission:

Color Diagnostics, LLC DBA Color Health
Classification: Uncertain significance for Cardiomyopathy. Last evaluated: 2023-12-05. Review status: criteria provided, single submitter. Criteria: ACMG Guidelines, 2015. Collection method: clinical testing. Allele origin: germline.
Comment: This missense variant replaces isoleucine with asparagine at codon 2059 of the DSP protein. Computational prediction tools and conservation analyses suggest that this variant may have deleterious impact on the protein function. Computational splicing tools suggest that this variant may not impact RNA splicing. To our knowledge, functional assays have not been performed for this variant nor has this variant been reported in individuals affected with cardiovascular disorders in the literature. This variant has not been identified in the general population by the Genome Aggregation Database (gnomAD). Available evidence is insufficient to determine the role of this variant in disease conclusively. Therefore, this variant is classified as a Variant of Uncertain Significance.

NM_004415.4(DSP):c.6176T>A (p.Ile2059Asn)

Gene: DSP (desmoplakin; plus strand). Cytogenetic location: 6p24.3.
Variant type: single nucleotide variant.
Coding change: c.6176T>A on transcript NM_004415.4 (MANE Select); coding-DNA position 6176, T replaced by A.
Protein change: p.Ile2059Asn; replaces isoleucine 2059 with asparagine.
Molecular consequence: missense variant.
Genome position (GRCh38, 1-based): chr6:7,583,438, T>A. VCF-style: chr6-7583438-T-A. GRCh37 (hg19) VCF-style: chr6-7583671-T-A.
Other names: c.4379T>A, p.Ile1460Asn (NM_001008844.3); c.4847T>A, p.Ile1616Asn (NM_001319034.2); short protein forms I1460N, I2059N, I1616N.
Identifiers: ClinVar variation 922235 (VCV000922235.5), dbSNP rs1263298339, ClinGen allele CA362690241.